The following is an entry in ClinVar:

NM_138386.3(NAF1):c.1399T>G (p.Ser467Ala)

Gene: NAF1 (nuclear assembly factor 1 ribonucleoprotein; minus strand). Cytogenetic location: 4q32.2.
Variant type: single nucleotide variant.
Coding change: c.1399T>G on transcript NM_138386.3 (MANE Select); coding-DNA position 1399, T replaced by G.
Protein change: p.Ser467Ala; replaces serine 467 with alanine.
Molecular consequence: missense variant. On other transcripts: intron variant (1).
Genome position (GRCh38, 1-based): chr4:163,128,983, A>C on the plus strand (T>G on the coding strand, the complement: NAF1 is on the minus strand). VCF-style: chr4-163128983-A-C. GRCh37 (hg19) VCF-style: chr4-164050135-A-C.
Other names: c.1034-1868T>G (NM_001128931.2); short protein forms S467A.
Identifiers: ClinVar variation 3701948 (VCV003701948.2).

ClinVar aggregate classification (germline): Uncertain significance (1 of 4 stars; one submission).

Submission:

Labcorp Genetics (formerly Invitae), Labcorp
Classification: Uncertain significance. Last evaluated: 2024-10-05. Review status: criteria provided, single submitter. Criteria: Invitae Variant Classification Sherloc (09022015). Collection method: clinical testing. Allele origin: germline.
Comment: This sequence change replaces serine, which is neutral and polar, with alanine, which is neutral and non-polar, at codon 467 of the NAF1 protein (p.Ser467Ala). This variant is not present in population databases (gnomAD no frequency). This variant has not been reported in the literature in individuals affected with NAF1-related conditions. An algorithm developed to predict the effect of missense changes on protein structure and function outputs the following: PolyPhen-2: "Probably Damaging". The alanine amino acid residue is found in multiple mammalian species, which suggests that this missense change does not adversely affect protein function. In summary, the available evidence is currently insufficient to determine the role of this variant in disease. Therefore, it has been classified as a Variant of Uncertain Significance.